The following is an entry in ClinVar:

NM_021975.4(RELA):c.1324C>T (p.Gln442Ter)

Gene: RELA (RELA proto-oncogene, NF-kB subunit; minus strand). Cytogenetic location: 11q13.1.
Variant type: single nucleotide variant.
Coding change: c.1324C>T on transcript NM_021975.4 (MANE Select); coding-DNA position 1324, C replaced by T.
Protein change: p.Gln442Ter; replaces glutamine 442 with a stop codon.
Molecular consequence: nonsense. On other transcripts: intron variant (1).
Genome position (GRCh38, 1-based): chr11:65,654,710, G>A on the plus strand (C>T on the coding strand, the complement: RELA is on the minus strand). VCF-style: chr11-65654710-G-A. GRCh37 (hg19) VCF-style: chr11-65422181-G-A.
Other names: c.1315C>T, p.Gln439Ter (NM_001145138.2); c.1117C>T, p.Gln373Ter (NM_001243984.2); c.1357C>T, p.Gln453Ter (NM_001404657.1); c.1297C>T, p.Gln433Ter (NM_001404658.1); c.1111C>T, p.Gln371Ter (NM_001404659.1); c.1006C>T, p.Gln336Ter (NM_001404660.1); c.943C>T, p.Gln315Ter (NM_001404661.1); c.1231C>T, p.Gln411Ter (NM_001404662.1, NM_001404663.1); and 1 more; short protein forms Q315*, Q336*, Q371*, Q373*, Q411*, Q433*, Q439*, Q442*.
Identifiers: ClinVar variation 4538572 (VCV004538572.4).

ClinVar aggregate classification (germline): Conflicting classifications of pathogenicity. Review status: criteria provided, conflicting classifications (1 of 4 stars). 2 submissions from 2 submitters: Likely pathogenic (1); Uncertain significance (1). Last evaluated 2025-12-19.

Conditions:
Autoinflammatory disease, familial, Behcet-like-3. Also called: Mucocutaneous ulceration, chronic. Identifiers: Orphanet 596759, MedGen C4748997, MONDO:0032659, OMIM 618287.
Primary immunodeficiency or monogenic inflammatory bowel disease.

Submissions (2):

Federal Scientific and Clinical Center for Children and Adolescents, Federal Medical and Biological Agency of Russia
Classification: Uncertain significance for Autoinflammatory disease, familial, Behcet-like-3. Last evaluated: 2025-12-19. Review status: criteria provided, single submitter. Criteria: ACMG Guidelines, 2015. Collection method: clinical testing. Allele origin: de novo. Inheritance: Autosomal dominant inheritance. Observed: 1 variant allele, 1 compound heterozygote.
Comment: This heterozygous nonsense variant (p.Gln442Ter) in the final exon of the RELA gene is predicted to escape nonsense-mediated decay and cause haploinsufficiency via a dominant-negative mechanism. The diagnosis of monogenic IBD was confirmed by histopathology from a national reference center. This case expands the known phenotypic spectrum of RELA-related disorders beyond the classic Behcet-like presentation to include severe, isolated intestinal inflammation.

North West Genomic Laboratory Hub, Manchester University NHS Foundation Trust
Classification: Likely pathogenic for Primary immunodeficiency or monogenic inflammatory bowel disease. Last evaluated: 2025-07-11. Review status: criteria provided, single submitter. Criteria: ACGS Best Practice Guidelines for Variant Classification in Rare Disease 2024. Collection method: clinical testing. Allele origin: germline. Affected: yes.
Comment: PVS1_Str PM2_Mod